The following is an entry in ClinVar:

NM_000052.7(ATP7A):c.3397A>G (p.Asn1133Asp)

Gene: ATP7A (ATPase copper transporting alpha; plus strand). Cytogenetic location: Xq21.1.
Variant type: single nucleotide variant.
Coding change: c.3397A>G on transcript NM_000052.7 (MANE Select); coding-DNA position 3397, A replaced by G.
Protein change: p.Asn1133Asp; replaces asparagine 1133 with aspartic acid.
Molecular consequence: missense variant. On other transcripts: non-coding transcript variant (1).
Genome position (GRCh38, 1-based): chrX:78,033,707, A>G. VCF-style: chrX-78033707-A-G. GRCh37 (hg19) VCF-style: chrX-77289205-A-G.
Other names: c.3163A>G, p.Asn1055Asp (NM_001282224.2); short protein forms N1055D, N1133D.
Identifiers: ClinVar variation 3753813 (VCV003753813.2).

ClinVar aggregate classification (germline): Uncertain significance (1 of 4 stars; one submission).

Conditions:
Menkes kinky-hair syndrome (MNK). Also called: Copper transport disease; Menkes Disease; Classic Menkes Disease. Identifiers: Orphanet 565, MedGen C0022716, MONDO:0010651, OMIM 309400.
X-linked distal spinal muscular atrophy type 3. Also called: ATP7A-Related Distal Motor Neuropathy; SPINAL MUSCULAR ATROPHY, DISTAL, X-LINKED RECESSIVE; NEURONOPATHY, DISTAL HEREDITARY MOTOR, X-LINKED; NEUROPATHY, DISTAL HEREDITARY MOTOR, X-LINKED. Identifiers: Orphanet 139557, MedGen C1845359, MONDO:0010338, OMIM 300489.
Cutis laxa, X-linked (OHS). Also called: EDS IX; Occipital horn syndrome. Identifiers: Orphanet 198, MedGen C0268353, MONDO:0010572, OMIM 304150.

Submission:

Labcorp Genetics (formerly Invitae), Labcorp
Classification: Uncertain significance for X-linked distal spinal muscular atrophy type 3; Cutis laxa, X-linked; Menkes kinky-hair syndrome. Last evaluated: 2024-08-09. Review status: criteria provided, single submitter. Criteria: Invitae Variant Classification Sherloc (09022015). Collection method: clinical testing. Allele origin: germline.
Comment: This sequence change replaces asparagine, which is neutral and polar, with aspartic acid, which is acidic and polar, at codon 1133 of the ATP7A protein (p.Asn1133Asp). This variant is not present in population databases (gnomAD no frequency). This variant has not been reported in the literature in individuals affected with ATP7A-related conditions. Advanced modeling of protein sequence and biophysical properties (such as structural, functional, and spatial information, amino acid conservation, physicochemical variation, residue mobility, and thermodynamic stability) performed at Invitae indicates that this missense variant is not expected to disrupt ATP7A protein function with a negative predictive value of 95%. In summary, the available evidence is currently insufficient to determine the role of this variant in disease. Therefore, it has been classified as a Variant of Uncertain Significance.